The following is an entry in ClinVar:

NM_001378778.1(MPDZ):c.2698C>G (p.Leu900Val)

Gene: MPDZ (multiple PDZ domain crumbs cell polarity complex component; minus strand). Cytogenetic location: 9p23.
Variant type: single nucleotide variant.
Coding change: c.2698C>G on transcript NM_001378778.1 (MANE Select); coding-DNA position 2698, C replaced by G.
Protein change: p.Leu900Val; replaces leucine 900 with valine.
Molecular consequence: missense variant.
Genome position (GRCh38, 1-based): chr9:13,176,369, G>C on the plus strand (C>G on the coding strand, the complement: MPDZ is on the minus strand). VCF-style: chr9-13176369-G-C. GRCh37 (hg19) VCF-style: chr9-13176368-G-C.
Other names: c.2698C>G, p.Leu900Val (NM_001261406.2, NM_001261407.2, NM_001330637.2 and 14 more transcripts); c.2698C>G (NM_003829.3); short protein forms L900V.
Identifiers: ClinVar variation 1416811 (VCV001416811.8), dbSNP rs776147925, ClinGen allele CA4987378.
Genomic context (GRCh38, chr9:13,176,369, plus strand): 5'-CCACCGAAGGTGTATTCTCATCCTGTCTTTGCAGGAGATTCTGGGTATATAGTTCCTCCA[G>C]AGACATATGCAGATCAAGTACTGGATCACAAGAATTTTCAATAACATCCTGGTAGTTAAA-3'
Protein context (NP_001365707.1, residues 890-910): CDPVLDLHMS[Leu900Val]EELYTQNLLQ

ClinVar aggregate classification (germline): Uncertain significance. Review status: criteria provided, multiple submitters, no conflicts (2 of 4 stars). 2 submissions from 2 submitters: Uncertain significance (2). Last evaluated 2026-04-20.

Conditions:
Inborn genetic diseases. Identifiers: MedGen C0950123, MeSH D030342.

Allele frequency attached by ClinVar (database versions not stated): gnomAD exomes 0.00001.
gnomAD v4.1: 27 of 1,605,162 alleles (0.0017%); highest among the groups gnomAD compares: African/African-American, 0.015%; no homozygotes.

Submissions (2):

Ambry Genetics
Classification: Uncertain significance for Inborn genetic diseases. Last evaluated: 2026-04-20. Review status: criteria provided, single submitter. Criteria: Ambry Variant Classification Scheme 2023. Collection method: clinical testing. Allele origin: germline.
Comment: The c.2698C>G (p.L900V) alteration is located in exon 19 (coding exon 19) of the MPDZ gene. This alteration results from a C to G substitution at nucleotide position 2698, causing the leucine (L) at amino acid position 900 to be replaced by a valine (V). Based on data from gnomAD, the G allele has an overall frequency of 0.001% (2/233842) total alleles studied. The highest observed frequency was 0.018% (1/5702) of Other alleles. Based on insufficient or conflicting evidence, the clinical significance of this alteration remains unclear.

Labcorp Genetics (formerly Invitae), Labcorp
Classification: Uncertain significance. Last evaluated: 2025-10-01. Review status: criteria provided, single submitter. Criteria: Invitae Variant Classification Sherloc (09022015). Collection method: clinical testing. Allele origin: germline.
Comment: This sequence change replaces leucine, which is neutral and non-polar, with valine, which is neutral and non-polar, at codon 900 of the MPDZ protein (p.Leu900Val). This variant is present in population databases (rs776147925, gnomAD 0.001%). This variant has not been reported in the literature in individuals affected with MPDZ-related conditions. ClinVar contains an entry for this variant (Variation ID: 1416811). An algorithm developed to predict the effect of missense changes on protein structure and function (PolyPhen-2) suggests that this variant is likely to be tolerated. In summary, the available evidence is currently insufficient to determine the role of this variant in disease. Therefore, it has been classified as a Variant of Uncertain Significance.